The following is an entry in ClinVar:

ClinVar aggregate classification (germline): Likely benign. Review status: criteria provided, multiple submitters, no conflicts (2 of 4 stars). 2 submissions from 2 submitters: Likely benign (2). Last evaluated 2025-06-11.

Conditions:
RASopathy. Also called: Noonan spectrum disorder; rasopathies. Identifiers: Orphanet 536391, MedGen C5555857, MONDO:0021060.

Submissions (2):

Labcorp Genetics (formerly Invitae), Labcorp
Classification: Likely benign for RASopathy. Last evaluated: 2025-06-11. Review status: criteria provided, single submitter. Criteria: Invitae Variant Classification Sherloc (09022015). Collection method: clinical testing. Allele origin: germline.

GeneDx
Classification: Likely benign. Last evaluated: 2017-09-17. Review status: criteria provided, single submitter. Criteria: GeneDx Variant Classification (06012015). Collection method: clinical testing. Allele origin: germline. Affected: yes.
Comment: This variant is considered likely benign or benign based on one or more of the following criteria: it is a conservative change, it occurs at a poorly conserved position in the protein, it is predicted to be benign by multiple in silico algorithms, and/or has population frequency not consistent with disease.

NM_002834.5(PTPN11):c.526-11T>C

Gene: PTPN11 (protein tyrosine phosphatase non-receptor type 11; plus strand). Cytogenetic location: 12q24.13.
Variant type: single nucleotide variant.
Coding change: c.526-11T>C on transcript NM_002834.5 (MANE Select); 11 bases into the intron before coding-DNA position 526, T replaced by C.
Molecular consequence: intron variant.
Genome position (GRCh38, 1-based): chr12:112,454,553, T>C. VCF-style: chr12-112454553-T-C. GRCh37 (hg19) VCF-style: chr12-112892357-T-C.
Other names: c.526-11T>C (NM_001330437.2, NM_080601.3); c.523-11T>C (NM_001374625.1).
Identifiers: ClinVar variation 512233 (VCV000512233.3), dbSNP rs1555267925, ClinGen allele CA658797955.
Genomic context (GRCh38, chr12:112,454,553, plus strand): 5'-TGAGAGTGCTTGAAAACACTAATGTAACATAAAGGTAACAAATAATAAATGTCATGTGTT[T>C]ATCTTGAAAGGAACTGAAATACGACGTTGGTGGAGGAGAACGGTTTGATTCTTTGACAGA-3'